The following is an entry in ClinVar:

ClinVar aggregate classification (germline): Uncertain significance (1 of 4 stars; one submission).

Allele frequency attached by ClinVar (database versions not stated): gnomAD 0.00001; gnomAD exomes 0.00001; TOPMed 0.00001.
gnomAD v4.1: 4 of 1,614,026 alleles (0.00025%); highest among the groups gnomAD compares: African/African-American, 0.0013%; no homozygotes.

Submission:

Labcorp Genetics (formerly Invitae), Labcorp
Classification: Uncertain significance. Last evaluated: 2020-02-12. Review status: criteria provided, single submitter. Criteria: Invitae Variant Classification Sherloc (09022015). Collection method: clinical testing. Allele origin: germline.
Comment: This sequence change replaces asparagine with aspartic acid at codon 560 of the ANLN protein (p.Asn560Asp). The asparagine residue is moderately conserved and there is a small physicochemical difference between asparagine and aspartic acid. This variant is not present in population databases (ExAC no frequency). This variant has not been reported in the literature in individuals with ANLN-related conditions. Algorithms developed to predict the effect of missense changes on protein structure and function are either unavailable or do not agree on the potential impact of this missense change (SIFT: "Tolerated"; PolyPhen-2: "Probably Damaging"; Align-GVGD: "Class C0"). In summary, the available evidence is currently insufficient to determine the role of this variant in disease. Therefore, it has been classified as a Variant of Uncertain Significance.

NM_018685.5(ANLN):c.1678A>G (p.Asn560Asp)

Gene: ANLN (anillin, actin binding protein; plus strand). Cytogenetic location: 7p14.2.
Variant type: single nucleotide variant.
Coding change: c.1678A>G on transcript NM_018685.5 (MANE Select); coding-DNA position 1678, A replaced by G.
Protein change: p.Asn560Asp; replaces asparagine 560 with aspartic acid.
Molecular consequence: missense variant.
Genome position (GRCh38, 1-based): chr7:36,419,288, A>G. VCF-style: chr7-36419288-A-G. GRCh37 (hg19) VCF-style: chr7-36458897-A-G.
Other names: c.1567A>G, p.Asn523Asp (NM_001284301.3); c.1564A>G, p.Asn522Asp (NM_001284302.3); short protein forms N522D, N523D, N560D.
Identifiers: ClinVar variation 1026883 (VCV001026883.9), dbSNP rs987411606, ClinGen allele CA157083965.
Genomic context (GRCh38, chr7:36,419,288, plus strand): 5'-TTGAAATATTTTTCAGAAGTGATACGTGAAATTGAGATGAGTGTGGATGATGATGATATC[A>G]ATAGTTCGAAAGTAATTAATGACCTCTTCAGTGATGTCCTAGAGGAAGGTGAACTAGATA-3'
Protein context (NP_061155.2, residues 550-570): IEMSVDDDDI[Asn560Asp]SSKVINDLFS